The following is an entry in ClinVar:

NM_003177.7(SYK):c.13G>A (p.Gly5Ser)

Gene: SYK (spleen associated tyrosine kinase; plus strand). Cytogenetic location: 9q22.2.
Variant type: single nucleotide variant.
Coding change: c.13G>A on transcript NM_003177.7 (MANE Select); coding-DNA position 13, G replaced by A.
Protein change: p.Gly5Ser; replaces glycine 5 with serine.
Molecular consequence: missense variant.
Genome position (GRCh38, 1-based): chr9:90,843,911, G>A. VCF-style: chr9-90843911-G-A. GRCh37 (hg19) VCF-style: chr9-93606193-G-A.
Other names: c.13G>A, p.Gly5Ser (NM_001135052.4, NM_001174167.3, NM_001174168.3); short protein forms G5S.
Identifiers: ClinVar variation 4847865 (VCV004847865.1).

ClinVar aggregate classification (germline): Likely benign (1 of 4 stars; one submission).

gnomAD v4.1: 513 of 1,539,942 alleles (0.033%); highest among the groups gnomAD compares: Admixed American, 0.029%; 5 homozygotes.

Submission:

Women's Health and Genetics/Laboratory Corporation of America, LabCorp
Classification: Likely benign. Last evaluated: 2026-02-12. Review status: criteria provided, single submitter. Criteria: LabCorp Variant Classification Summary - May 2015. Collection method: clinical testing. Allele origin: germline.
Comment: Variant summary: SYK c.13G>A (p.Gly5Ser) results in a non-conservative amino acid change in the encoded protein sequence. Algorithms developed to predict the effect of missense changes on protein structure and function are either unavailable or do not agree on the potential impact of this missense change. The variant allele was found at a frequency of 0.00053 in 185036 control chromosomes. The observed variant frequency exceeds the estimated maximal expected allele frequency for disease-causing variants in SYK. To our knowledge, no occurrence of c.13G>A in individuals affected with SYK-related conditions and no experimental evidence demonstrating its impact on protein function have been reported. No submitters have cited clinical-significance assessments for this variant to ClinVar. Based on the evidence outlined above, the variant was classified as likely benign.